The following is an entry in ClinVar:

NM_000069.3(CACNA1S):c.4786G>T (p.Gly1596Ter)

Gene: CACNA1S (calcium voltage-gated channel subunit alpha1 S; minus strand). Cytogenetic location: 1q32.1.
Variant type: single nucleotide variant.
Coding change: c.4786G>T on transcript NM_000069.3 (MANE Select); coding-DNA position 4786, G replaced by T.
Protein change: p.Gly1596Ter; replaces glycine 1596 with a stop codon.
Molecular consequence: nonsense.
Genome position (GRCh38, 1-based): chr1:201,044,339, C>A on the plus strand (G>T on the coding strand, the complement: CACNA1S is on the minus strand). VCF-style: chr1-201044339-C-A. GRCh37 (hg19) VCF-style: chr1-201013467-C-A.
Other names: short protein forms G1596*.
Identifiers: ClinVar variation 928590 (VCV000928590.1), dbSNP rs751048080, ClinGen allele CA344138874.

ClinVar aggregate classification (germline): Uncertain significance (1 of 4 stars; one submission).

Submission:

Women's Health and Genetics/Laboratory Corporation of America, LabCorp
Classification: Uncertain significance. Last evaluated: 2019-06-11. Review status: criteria provided, single submitter. Criteria: LabCorp Variant Classification Summary - May 2015. Collection method: clinical testing. Allele origin: germline.
Comment: Variant summary: CACNA1S c.4786G>T (p.Gly1596X) results in a premature termination codon, predicted to cause a truncation of the encoded protein or absence of the protein due to nonsense mediated decay. Though truncations downstream of this position have been reported in patients affected with Myopathy (HGMD), loss of function (LoF) is not a known disease mechanism for Malignant Hyperthermia Susceptibility (MH). The variant was absent in 251304 control chromosomes (gnomAD). The available data on variant occurrences in the general population are insufficient to allow any conclusion about variant significance. To our knowledge, no occurrence of c.4786G>T in individuals affected with Malignant Hyperthermia Susceptibility and no experimental evidence demonstrating its impact on protein function have been reported. No clinical diagnostic laboratories have submitted clinical-significance assessments for this variant to ClinVar after 2014. Based on the evidence outlined above, the variant was classified as uncertain significance.